The following is an entry in ClinVar:

ClinVar aggregate classification (germline): Uncertain significance (1 of 4 stars; one submission).

Submission:

Labcorp Genetics (formerly Invitae), Labcorp
Classification: Uncertain significance. Last evaluated: 2023-10-20. Review status: criteria provided, single submitter. Criteria: Invitae Variant Classification Sherloc (09022015). Collection method: clinical testing. Allele origin: germline.
Comment: This sequence change replaces valine, which is neutral and non-polar, with methionine, which is neutral and non-polar, at codon 293 of the SLC4A1 protein (p.Val293Met). This variant is not present in population databases (gnomAD no frequency). This variant has not been reported in the literature in individuals affected with SLC4A1-related conditions. An algorithm developed to predict the effect of missense changes on protein structure and function (PolyPhen-2) suggests that this variant is likely to be disruptive. Algorithms developed to predict the effect of sequence changes on RNA splicing suggest that this variant may create or strengthen a splice site. In summary, the available evidence is currently insufficient to determine the role of this variant in disease. Therefore, it has been classified as a Variant of Uncertain Significance.

NM_000342.4(SLC4A1):c.877G>A (p.Val293Met)

Gene: SLC4A1 (solute carrier family 4 member 1 (Diego blood group); minus strand). Cytogenetic location: 17q21.31.
Variant type: single nucleotide variant.
Coding change: c.877G>A on transcript NM_000342.4 (MANE Select); coding-DNA position 877, G replaced by A.
Protein change: p.Val293Met; replaces valine 293 with methionine.
Molecular consequence: missense variant.
Genome position (GRCh38, 1-based): chr17:44,258,623, C>T on the plus strand (G>A on the coding strand, the complement: SLC4A1 is on the minus strand). VCF-style: chr17-44258623-C-T. GRCh37 (hg19) VCF-style: chr17-42335991-C-T.
Other names: short protein forms V293M.
Identifiers: ClinVar variation 2818637 (VCV002818637.3), dbSNP rs2509967613, ClinGen allele CA399789019.
Genomic context (GRCh38, chr17:44,258,623, plus strand): 5'-CCTCTAGGGAGTGCAGCAGCTCCCCTCGGCTCTGAGCCATGTAGGCATCTATGCGGAACA[C>T]CTAGGGGCAGGAGACAGGGTCAGAGCTGCCCGGACCTGCGGAGGGAAAGGACCCAGGAGT-3'
Protein context (NP_000333.1, residues 283-303): RAAATLMSER[Val293Met]FRIDAYMAQS